The following is an entry in ClinVar:

ClinVar aggregate classification (germline): Pathogenic (1 of 4 stars; one submission).

Submission:

Labcorp Genetics (formerly Invitae), Labcorp
Classification: Pathogenic. Last evaluated: 2022-06-28. Review status: criteria provided, single submitter. Criteria: Invitae Variant Classification Sherloc (09022015). Collection method: clinical testing. Allele origin: germline.
Comment: This sequence change creates a premature translational stop signal (p.Cys7*) in the FITM2 gene. It is expected to result in an absent or disrupted protein product. Loss-of-function variants in FITM2 are known to be pathogenic (PMID: 28067622, 30214770). The frequency data for this variant in the population databases is considered unreliable, as metrics indicate poor data quality at this position in the gnomAD database. This variant has not been reported in the literature in individuals affected with FITM2-related conditions. For these reasons, this variant has been classified as Pathogenic.

Literature cited by the submitters: PubMed 28067622; PubMed 30214770.

NM_001080472.4(FITM2):c.21C>A (p.Cys7Ter)

Gene: FITM2 (fat storage inducing transmembrane protein 2; minus strand). Cytogenetic location: 20q13.12.
Variant type: single nucleotide variant.
Coding change: c.21C>A on transcript NM_001080472.4 (MANE Select); coding-DNA position 21, C replaced by A.
Protein change: p.Cys7Ter; replaces cysteine 7 with a stop codon.
Molecular consequence: nonsense.
Genome position (GRCh38, 1-based): chr20:44,311,128, G>T on the plus strand (C>A on the coding strand, the complement: FITM2 is on the minus strand). VCF-style: chr20-44311128-G-T. GRCh37 (hg19) VCF-style: chr20-42939768-G-T.
Other names: short protein forms C7*.
Identifiers: ClinVar variation 2166470 (VCV002166470.1), dbSNP rs1314404716, ClinGen allele CA409112277.